The following is an entry in ClinVar:

NM_000041.4(APOE):c.201G>T (p.Glu67Asp)

Gene: APOE (apolipoprotein E; plus strand). Cytogenetic location: 19q13.32.
Variant type: single nucleotide variant.
Coding change: c.201G>T on transcript NM_000041.4 (MANE Select); coding-DNA position 201, G replaced by T.
Protein change: p.Glu67Asp; replaces glutamic acid 67 with aspartic acid.
Molecular consequence: missense variant.
Genome position (GRCh38, 1-based): chr19:44,907,917, G>T. VCF-style: chr19-44907917-G-T. GRCh37 (hg19) VCF-style: chr19-45411174-G-T.
Other names: c.279G>T, p.Glu93Asp (NM_001302688.2); c.201G>T, p.Glu67Asp (NM_001302689.2, NM_001302690.2, NM_001302691.2); short protein forms E67D, E93D.
Identifiers: ClinVar variation 3417840 (VCV003417840.1).

ClinVar aggregate classification (germline): Uncertain significance (1 of 4 stars; one submission).

Conditions:
Cardiovascular phenotype. Identifiers: MedGen CN230736.

gnomAD v4.1: 1 of 1,613,876 alleles (0.000062%); highest among the groups gnomAD compares: East Asian, 0.0022%; no homozygotes.

Submission:

Ambry Genetics
Classification: Uncertain significance for Cardiovascular phenotype. Last evaluated: 2024-11-05. Review status: criteria provided, single submitter. Criteria: Ambry Variant Classification Scheme 2023. Collection method: clinical testing. Allele origin: germline.
Comment: The p.E67D variant (also known as c.201G>T), located in coding exon 2 of the APOE gene, results from a G to T substitution at nucleotide position 201. The glutamic acid at codon 67 is replaced by aspartic acid, an amino acid with highly similar properties. This amino acid position is conserved. In addition, this alteration is predicted to be tolerated by in silico analysis. Based on the available evidence, the clinical significance of this variant remains unclear.